The following is an entry in ClinVar:

ClinVar aggregate classification (germline): Pathogenic (1 of 4 stars; one submission).

Conditions:
Myofibrillar myopathy 4. Also called: Zaspopathy (type). Identifiers: Orphanet 98912, MedGen C4721886, MONDO:0012277, OMIM 609452.

Submission:

Labcorp Genetics (formerly Invitae), Labcorp
Classification: Pathogenic for Myofibrillar myopathy 4. Last evaluated: 2024-05-28. Review status: criteria provided, single submitter. Criteria: Invitae Variant Classification Sherloc (09022015). Collection method: clinical testing. Allele origin: germline.
Comment: The LDB3 gene has multiple clinically relevant transcripts. This variant occurs in alternate transcript NM_007078.3, and corresponds to NM_001080116.1:c.321+1349del in the primary transcript. This sequence change creates a premature translational stop signal (p.Gly131Alafs*38) in the LDB3 gene. It is expected to result in an absent or disrupted protein product. Loss-of-function variants in LDB3 are known to be pathogenic (PMID: 36253531). This variant is not present in population databases (gnomAD no frequency). This variant has not been reported in the literature in individuals affected with LDB3-related conditions. For these reasons, this variant has been classified as Pathogenic.

Literature cited by the submitters: PubMed 36253531.

NM_007078.3(LDB3):c.392del (p.Gly131fs)

Gene: LDB3 (LIM domain binding 3; plus strand). Cytogenetic location: 10q23.2.
Variant type: Deletion.
Coding change: c.392del on transcript NM_007078.3 (MANE Select); coding-DNA position 392, one base deleted (G; older notation c.392delG).
Protein change: p.Gly131fs; shifts the reading frame from glycine 131.
Molecular consequence: frameshift variant. On other transcripts: intron variant (5).
Genome position (GRCh38, 1-based): chr10:86,681,506, G deleted; the last of 2 consecutive G bases (chr10:86,681,505-86,681,506); deleting either gives the same sequence. VCF-style (leftmost placement, unchanged base first): chr10-86681504-AG-A. GRCh37 (hg19) VCF-style: chr10-88441261-AG-A.
Other names: c.392del, p.Gly131fs (NM_001080115.2, NM_001171610.2, NM_001171611.2 and 3 more transcripts); c.321+1349del (NM_001368068.1, NM_001368066.1, NM_001080114.2 and 2 more transcripts); short protein forms G131fs.
Identifiers: ClinVar variation 3654209 (VCV003654209.2).